The following is an entry in ClinVar:

NM_001318789.2(TLR2):c.2296A>G (p.Met766Val)

Gene: TLR2 (toll like receptor 2; plus strand). Cytogenetic location: 4q31.3.
Variant type: single nucleotide variant.
Coding change: c.2296A>G on transcript NM_001318789.2 (MANE Select); coding-DNA position 2296, A replaced by G.
Protein change: p.Met766Val; replaces methionine 766 with valine.
Molecular consequence: missense variant.
Genome position (GRCh38, 1-based): chr4:153,705,203, A>G. VCF-style: chr4-153705203-A-G. GRCh37 (hg19) VCF-style: chr4-154626355-A-G.
Other names: c.2296A>G, p.Met766Val (NM_001318787.2, NM_001318790.2, NM_001318791.2 and 4 more transcripts); short protein forms M766V.
Identifiers: ClinVar variation 1049235 (VCV001049235.1), dbSNP rs182578104, ClinGen allele CA3111041.

ClinVar aggregate classification (germline): Uncertain significance (0 of 4 stars; one submission).

Allele frequency attached by ClinVar (database versions not stated): gnomAD exomes 0.00005 and 0.00013; ExAC 0.00011; ESP Exome Variant Server 0.00023; gnomAD 0.00042 and 0.00044; 1000 Genomes Project 30x 0.00047; TOPMed 0.00055; 1000 Genomes Project 0.00060.
gnomAD v4.1: 141 of 1,611,610 alleles (0.0087%); highest among the groups gnomAD compares: African/African-American, 0.16%; no homozygotes.

Submission:

Department of Pathology and Laboratory Medicine, Sinai Health System
Classification: Uncertain significance. Review status: no assertion criteria provided. Collection method: clinical testing. Allele origin: unknown. Affected: yes. Study: The Canadian Open Genetics Repository (COGR).
Comment: The TLR2 p.Met766Val variant was not identified in the literature nor was it identified in ClinVar. The variant was identified in dbSNP (ID: rs182578104) and in control databases in 42 of 281232 chromosomes at a frequency of 0.0001493 (Genome Aggregation Database March 6, 2019, v2.1.1). The variant was observed in the following populations: African in 39 of 24890 chromosomes (freq: 0.001567), Latino in 2 of 35132 chromosomes (freq: 0.000057) and South Asian in 1 of 30452 chromosomes (freq: 0.000033), but was not observed in the Ashkenazi Jewish, East Asian, European (Finnish), European (non-Finnish), or Other populations. The p.Met766 residue is not conserved in mammals and computational analyses (PolyPhen-2, SIFT, AlignGVGD, BLOSUM, MutationTaster) do not suggest a high likelihood of impact to the protein; however, this information is not predictive enough to rule out pathogenicity. The variant occurs outside of the splicing consensus sequence and in silico or computational prediction software programs (SpliceSiteFinder, MaxEntScan, NNSPLICE, GeneSplicer) do not predict a difference in splicing. In summary, based on the above information the clinical significance of this variant cannot be determined with certainty at this time. This variant is classified as a variant of uncertain significance.